The following is an entry in ClinVar:

NM_000516.7(GNAS):c.313-21_313-20insA

Gene: GNAS (GNAS complex locus; plus strand). Cytogenetic location: 20q13.32.
Variant type: Insertion.
Coding change: c.313-21_313-20insA on transcript NM_000516.7 (MANE Select); 21 bases into the intron before coding-DNA position 313 through 20 bases into the intron before coding-DNA position 313, A inserted.
Molecular consequence: intron variant.
Genome position: GRCh38 VCF-style: chr20-58903651-G-GA. GRCh37 (hg19) VCF-style: chr20-57478706-G-GA.
Other names: c.*219-21_*219-20insA (NM_016592.5); c.217-21_217-20insA (NM_001410912.1); c.136-21_136-20insA (NM_001309861.2, NM_001309840.2); c.*174-21_*174-20insA (NM_001077490.3); c.2242-21_2242-20insA (NM_080425.4); c.2197-21_2197-20insA (NM_001410913.1); c.316-21_316-20insA (NM_001077488.5); c.271-21_271-20insA (NM_080426.4); and 1 more.
Identifiers: ClinVar variation 3356781 (VCV003356781.1).

ClinVar aggregate classification (germline): Likely benign (0 of 4 stars; one submission).

Conditions:
GNAS-related disorder. Identifiers: MedGen CN380105.

Submission:

PreventionGenetics, part of Exact Sciences
Classification: Likely benign for GNAS-related condition. Last evaluated: 2023-09-05. Review status: no assertion criteria provided. Collection method: clinical testing. Allele origin: germline.
Comment: This variant is classified as likely benign based on ACMG/AMP sequence variant interpretation guidelines (Richards et al. 2015 PMID: 25741868, with internal and published modifications).